The following is an entry in ClinVar:

ClinVar aggregate classification (germline): Uncertain significance (1 of 4 stars; one submission).

Submission:

GeneDx
Classification: Uncertain significance. Last evaluated: 2014-07-30. Review status: criteria provided, single submitter. Criteria: GeneDx Variant Classification (06012015). Collection method: clinical testing. Allele origin: germline. Affected: yes.
Comment: Missense variants in the TTN gene are considered 'unclassified' if they are not previously reported in the literature and do not have >1% frequency in the population to be considered a polymorphism. Research indicates that truncating mutations in the TTN gene are expected to account for approximately 25% of familial and 18% of sporadic idiopathic DCM; however, truncating variants in the TTN gene have been reported in approximately 3% of reported control alleles. There has been little investigation into non-truncating variants. (Herman D et al. Truncations of titin causing dilated cardiomyopathy. N Eng J Med 366:619-628, 2012) The variant is found in DCM-CRDM panel(s).

NM_001267550.2(TTN):c.32699A>C (p.Lys10900Thr)

Gene: TTN (titin; minus strand). Cytogenetic location: 2q31.2.
Variant type: single nucleotide variant.
Coding change: c.32699A>C on transcript NM_001267550.2 (MANE Select); coding-DNA position 32699, A replaced by C.
Protein change: p.Lys10900Thr; replaces lysine 10900 with threonine.
Molecular consequence: missense variant. On other transcripts: intron variant (3).
Genome position (GRCh38, 1-based): chr2:178,684,353, T>G on the plus strand (A>C on the coding strand, the complement: TTN is on the minus strand). VCF-style: chr2-178684353-T-G. GRCh37 (hg19) VCF-style: chr2-179549080-T-G.
Other names: p.K10583T:AAA>ACA; c.31748A>C, p.Lys10583Thr (NM_001256850.1); c.28967A>C, p.Lys9656Thr (NM_133378.4); c.13283-42036A>C (NM_003319.4); c.13859-42036A>C (NM_133437.4); c.13658-42036A>C (NM_133432.3); short protein forms K10583T, K10900T, K9656T.
Identifiers: ClinVar variation 202574 (VCV000202574.2), dbSNP rs794729409, ClinGen allele CA309632.